The following is an entry in ClinVar:

ClinVar aggregate classification (germline): Benign/Likely benign. Review status: criteria provided, multiple submitters, no conflicts (2 of 4 stars). 4 submissions from 4 submitters: Benign (1); Likely benign (3). Last evaluated 2026-05-22.

Conditions:
Hereditary cancer-predisposing syndrome. Also called: Hereditary neoplastic syndrome; Neoplastic Syndromes, Hereditary; Hereditary Cancer Syndrome; Tumor predisposition. Identifiers: Orphanet 140162, MedGen C0027672, MeSH D009386, MONDO:0015356.
Cardiovascular phenotype. Identifiers: MedGen CN230736.
Neurofibromatosis, type 1 (NF1). Also called: Peripheral type neurofibromatosis; Neurofibromatosis, type I; VON RECKLINGHAUSEN DISEASE; NEUROFIBROMATOSIS, TYPE I, SOMATIC. Identifiers: Orphanet 636, MedGen C0027831, MONDO:0018975, OMIM 162200. Disease mechanism: loss of function.

Allele frequency attached by ClinVar (database versions not stated): TOPMed 0.00001.

Submissions (4):

Myriad Genetics, Inc.
Classification: Benign for Neurofibromatosis, type 1. Last evaluated: 2026-05-22. Review status: criteria provided, single submitter. Criteria: Myriad Autosomal Dominant, Autosomal Recessive and X-Linked Classification Criteria (2023). Collection method: clinical testing. Allele origin: unknown.
Comment: This variant is considered benign. This variant is a silent/synonymous amino acid change and it is not expected to impact splicing.

Labcorp Genetics (formerly Invitae), Labcorp
Classification: Likely benign for Neurofibromatosis, type 1. Last evaluated: 2025-10-09. Review status: criteria provided, single submitter. Criteria: Invitae Variant Classification Sherloc (09022015). Collection method: clinical testing. Allele origin: germline.

Genome-Nilou Lab
Classification: Likely benign for Neurofibromatosis, type 1. Last evaluated: 2022-03-15. Review status: criteria provided, single submitter. Criteria: ACMG Guidelines, 2015. Collection method: clinical testing. Allele origin: germline. Affected: no.

Ambry Genetics
Classification: Likely benign for Cardiovascular phenotype; Hereditary cancer-predisposing syndrome. Last evaluated: 2019-02-07. Review status: criteria provided, single submitter. Criteria: Ambry Variant Classification Scheme 2023. Collection method: clinical testing. Allele origin: germline.

NM_001042492.3(NF1):c.7839G>C (p.Pro2613=)

Gene: NF1 (neurofibromin 1; plus strand). Cytogenetic location: 17q11.2.
Variant type: single nucleotide variant.
Coding change: c.7839G>C on transcript NM_001042492.3 (MANE Select); coding-DNA position 7839, G replaced by C.
Protein change: p.Pro2613=; no amino-acid change (proline 2613 retained).
Molecular consequence: synonymous variant.
Genome position (GRCh38, 1-based): chr17:31,357,060, G>C. VCF-style: chr17-31357060-G-C. GRCh37 (hg19) VCF-style: chr17-29684078-G-C.
Other names: c.7776G>C, p.Pro2592= (NM_000267.4).
Identifiers: ClinVar variation 457857 (VCV000457857.16), dbSNP rs752218441, ClinGen allele CA8487671.